The following is an entry in ClinVar:

ClinVar aggregate classification (germline): Benign/Likely benign. Review status: criteria provided, multiple submitters, no conflicts (2 of 4 stars). 4 submissions from 4 submitters: Benign (2); Likely benign (1). 1 of the submissions does not count toward it. Last evaluated 2025-06-23.

Conditions:
NSMF-related disorder. Also called: NSMF-related condition.

Allele frequency attached by ClinVar (database versions not stated): gnomAD exomes 0.00014 and 0.00028; ExAC 0.00035; 1000 Genomes Project 30x 0.00094; ESP Exome Variant Server 0.00108; gnomAD 0.00114 and 0.00123; 1000 Genomes Project 0.00120; TOPMed 0.00146.
gnomAD v4.1: 390 of 1,612,978 alleles (0.024%); highest among the groups gnomAD compares: African/African-American, 0.38%; 2 homozygotes.

Submissions (4):

Labcorp Genetics (formerly Invitae), Labcorp
Classification: Benign. Last evaluated: 2025-06-23. Review status: criteria provided, single submitter. Criteria: Invitae Variant Classification Sherloc (09022015). Collection method: clinical testing. Allele origin: germline.

Blueprint Genetics
Classification: Likely benign. Last evaluated: 2024-09-16. Review status: criteria provided, single submitter. Criteria: ACMG Guidelines, 2015. Collection method: clinical testing. Allele origin: germline.

Breakthrough Genomics
Classification: Benign. Review status: criteria provided, single submitter. Criteria: ACMG Guidelines, 2015. Collection method: not provided. Allele origin: germline. Inheritance: Autosomal dominant inheritance. Affected: yes.

PreventionGenetics, part of Exact Sciences
Classification: Likely benign for NSMF-related condition. Last evaluated: 2019-03-11. Review status: no assertion criteria provided. Collection method: clinical testing. Allele origin: germline. Not counted in ClinVar's aggregate classification.
Comment: This variant is classified as likely benign based on ACMG/AMP sequence variant interpretation guidelines (Richards et al. 2015 PMID: 25741868, with internal and published modifications).

NM_001130969.3(NSMF):c.1330C>T (p.Leu444=)

Genes: NSMF (NMDA receptor synaptonuclear signaling and neuronal migration factor; minus strand), LOC126860797 (MED14-independent group 3 enhancer GRCh37_chr9:140343721-140344920; plus strand). Cytogenetic location: 9q34.3.
Variant type: single nucleotide variant.
Coding change: c.1330C>T on transcript NM_001130969.3 (MANE Select); coding-DNA position 1330, C replaced by T.
Protein change: p.Leu444=; no amino-acid change (leucine 444 retained).
Molecular consequence: synonymous variant.
Genome position (GRCh38, 1-based): chr9:137,450,012, G>A on the plus strand (C>T on the coding strand, the complement: NSMF is on the minus strand). VCF-style: chr9-137450012-G-A. GRCh37 (hg19) VCF-style: chr9-140344464-G-A.
Other names: c.1261C>T, p.Leu421= (NM_001130970.2); c.1255C>T, p.Leu419= (NM_001130971.2); c.1240C>T, p.Leu414= (NM_001178064.2); c.1324C>T, p.Leu442= (NM_015537.5); c.1330C>T (NM_001130969.1).
Identifiers: ClinVar variation 713118 (VCV000713118.10), dbSNP rs150450906, ClinGen allele CA5370023.